The following is an entry in ClinVar:

ClinVar aggregate classification (germline): Benign. Review status: reviewed by expert panel (3 of 4 stars). 9 submissions from 9 submitters: Benign (1). 8 of the submissions do not count toward it. Last evaluated 2023-11-14.

Conditions:
Immunodeficiency 104. Also called: SCID, AUTOSOMAL RECESSIVE, T CELL-NEGATIVE, B CELL-POSITIVE, NK CELL-POSITIVE; IMMUNODEFICIENCY 104, SEVERE COMBINED; Severe combined immunodeficiency, autosomal recessive, T cell-negative, B cell-positive, NK cell-positive; Severe Combined Immune Deficiency, Autosomal Recessive, TCell -Negative, B Cell-Positive, NK Cell-Positive, IL7R-Related. Identifiers: MedGen C5676890, MONDO:0012163, OMIM 608971.

Allele frequency attached by ClinVar (database versions not stated): gnomAD exomes 0.12669 and 0.13438; ExAC 0.12681; 1000 Genomes Project 0.12859; 1000 Genomes Project 30x 0.12898; gnomAD 0.13108 and 0.13289; ESP Exome Variant Server 0.13509; TOPMed 0.13895.
gnomAD v4.1: 215,879 of 1,609,440 alleles (13%); highest among the groups gnomAD compares: Admixed American, 15%; 15,172 homozygotes.

Submissions (9):

ClinGen Severe Combined Immunodeficiency Variant Curation Expert Panel, ClinGen
Classification: Benign for Immunodeficiency 104. Last evaluated: 2023-11-14. Review status: reviewed by expert panel. Criteria: ClinGen SCID ACMG Specifications IL7R V1.0.0. Collection method: curation. Allele origin: germline. Inheritance: Autosomal recessive inheritance.
Comment: The c.495C>T (p.His165=) variant (NM_002185.5) is a synonymous (silent) variant that is not predicted by SpliceAI and varSEAK to impact splicing (BP7). The filtering allele frequency (the lower threshold of the 95% CI of 5398/35384) of the c.495C>T variant in IL7R is 0.1491 for Latino/Admixed American chromosomes by gnomAD v2.1.1, which is higher than the ClinGen SCID VCEP threshold (>0.00566) for BA1, and therefore meets this criterion (BA1). Additionally, 2363 homozygous individuals were reported (BS2_Supporting is met). In summary, this variant is classified as Benign for autosomal recessive SCID based on ACMG/AMP criteria applied, as specified by the ClinGen SCID VCEP (specification version 1.0): BP7, BA1, and BS2_Supporting.

Labcorp Genetics (formerly Invitae), Labcorp
Classification: Benign for Immunodeficiency 104. Last evaluated: 2026-02-04. Review status: criteria provided, single submitter. Criteria: Invitae Variant Classification Sherloc (09022015). Collection method: clinical testing. Allele origin: germline. Not counted in ClinVar's aggregate classification.

Blueprint Genetics
Classification: Likely benign. Last evaluated: 2024-11-26. Review status: criteria provided, single submitter. Criteria: ACMG Guidelines, 2015. Collection method: clinical testing. Allele origin: germline. Not counted in ClinVar's aggregate classification.

Unidad de Genómica Garrahan, Hospital de Pediatría Garrahan
Classification: Benign. Last evaluated: 2024-01-24. Review status: criteria provided, single submitter. Criteria: ACMG Guidelines, 2015. Collection method: clinical testing. Allele origin: germline. Affected: no. Observed: 30 variant alleles. Not counted in ClinVar's aggregate classification.
Comment: This variant is classified as Benign based on local population frequency. This variant was detected in 32% of patients studied by a panel of primary immunodeficiencies. Number of patients: 30. Only high quality variants are reported.

Mayo Clinic Laboratories, Mayo Clinic
Classification: Benign. Last evaluated: 2018-06-28. Review status: criteria provided, single submitter. Criteria: ACMG Guidelines, 2015. Collection method: clinical testing. Allele origin: germline. Observed: 59 variant alleles. Not counted in ClinVar's aggregate classification.

Illumina Laboratory Services, Illumina
Classification: Benign for Immunodeficiency 104. Last evaluated: 2018-01-12. Review status: criteria provided, single submitter. Criteria: ICSL Variant Classification Criteria 13 December 2019. Collection method: clinical testing. Allele origin: germline. Not counted in ClinVar's aggregate classification.
Comment: This variant was observed in the ICSL laboratory as part of a predisposition screen in an ostensibly healthy population. It had not been previously curated by ICSL or reported in the Human Gene Mutation Database (HGMD: prior to June 1st, 2018), and was therefore a candidate for classification through an automated scoring system. Utilizing variant allele frequency, disease prevalence and penetrance estimates, and inheritance mode, an automated score was calculated to assess if this variant is too frequent to cause the disease. Based on the score and internal cut-off values, a variant classified as benign is not then subjected to further curation. The score for this variant resulted in a classification of benign for this disease.

Laboratory for Molecular Medicine, Mass General Brigham Personalized Medicine
Classification: Benign. Last evaluated: 2016-03-28. Review status: criteria provided, single submitter. Criteria: LMM Criteria. Collection method: clinical testing. Allele origin: germline. Not counted in ClinVar's aggregate classification.
Comment: Variant identified in a genome or exome case(s) and assessed due to predicted null impact of the variant or pathogenic assertions in the literature or databases. Disclaimer: This variant has not undergone full assessment. The following are preliminary notes: Frequency

GeneDx
Classification: Benign. Last evaluated: 2012-11-16. Review status: criteria provided, single submitter. Criteria: GeneDx Variant Classification (06012015). Collection method: clinical testing. Allele origin: germline. Affected: yes. Not counted in ClinVar's aggregate classification.
Comment: This variant is considered likely benign or benign based on one or more of the following criteria: it is a conservative change, it occurs at a poorly conserved position in the protein, it is predicted to be benign by multiple in silico algorithms, and/or has population frequency not consistent with disease.

Breakthrough Genomics
Classification: Benign. Review status: criteria provided, single submitter. Criteria: ACMG Guidelines, 2015. Collection method: not provided. Allele origin: germline. Inheritance: Autosomal recessive inheritance. Affected: yes. Not counted in ClinVar's aggregate classification.

NM_002185.5(IL7R):c.495C>T (p.His165=)

Gene: IL7R (interleukin 7 receptor; plus strand). Cytogenetic location: 5p13.2.
Variant type: single nucleotide variant.
Coding change: c.495C>T on transcript NM_002185.5 (MANE Select); coding-DNA position 495, C replaced by T.
Protein change: p.His165=; no amino-acid change (histidine 165 retained).
Molecular consequence: synonymous variant. On other transcripts: non-coding transcript variant (1).
Genome position (GRCh38, 1-based): chr5:35,871,171, C>T. VCF-style: chr5-35871171-C-T. GRCh37 (hg19) VCF-style: chr5-35871273-C-T.
Other names: p.H165H:CAC>CAT; NM_002185.5(IL7R):c.495C>T; p.His165=.
Identifiers: ClinVar variation 137585 (VCV000137585.22), dbSNP rs2228141, ClinGen allele CA291241.